The following is an entry in ClinVar:

NM_000038.6(APC):c.530del (p.Asn177fs)

Gene: APC (APC regulator of Wnt signaling pathway; plus strand). Cytogenetic location: 5q22.2.
Variant type: Deletion.
Coding change: c.530del on transcript NM_000038.6 (MANE Select); coding-DNA position 530, one base deleted (A; older notation c.530delA).
Protein change: p.Asn177fs; shifts the reading frame from asparagine 177.
Molecular consequence: frameshift variant. On other transcripts: 5 prime UTR variant (1).
Genome position (GRCh38, 1-based): chr5:112,775,736, A deleted; the last of 4 consecutive A bases (chr5:112,775,733-112,775,736); deleting any one gives the same sequence. VCF-style (leftmost placement, unchanged base first): chr5-112775732-GA-G. GRCh37 (hg19) VCF-style: chr5-112111429-GA-G.
Other names: c.530del, p.Asn177fs (NM_001127510.3, NM_001354895.2, NM_001354896.2 and 2 more transcripts); c.560del, p.Asn187fs (NM_001127511.3, NM_001354897.2, NM_001354902.2); c.455del, p.Asn152fs (NM_001354898.2, NM_001354904.2); c.353del, p.Asn118fs (NM_001354900.2, NM_001354901.2, NM_001354905.2); c.-506del (NM_001354906.2); short protein forms N187fs, N118fs, N152fs, N177fs.
Identifiers: ClinVar variation 858360 (VCV000858360.47), dbSNP rs1757573424, ClinGen allele CA916080346.

ClinVar aggregate classification (germline): Pathogenic. Review status: criteria provided, multiple submitters, no conflicts (2 of 4 stars). 2 submissions from 2 submitters: Pathogenic (2). Last evaluated 2023-04-26.

Conditions:
Familial adenomatous polyposis 1 (FAP1). Also called: FAMILIAL ADENOMATOUS POLYPOSIS 1, ATTENUATED; POLYPOSIS, ADENOMATOUS INTESTINAL. Identifiers: MedGen C2713442, MONDO:0021056, OMIM 175100. Disease mechanism: loss of function.

Submissions (2):

Myriad Genetics, Inc.
Classification: Pathogenic for Familial adenomatous polyposis 1. Last evaluated: 2023-04-26. Review status: criteria provided, single submitter. Criteria: Myriad Autosomal Dominant, Autosomal Recessive and X-Linked Classification Criteria (2023). Collection method: clinical testing. Allele origin: unknown.
Comment: This variant is considered pathogenic. This variant creates a frameshift predicted to result in premature protein truncation.

Labcorp Genetics (formerly Invitae), Labcorp
Classification: Pathogenic for Familial adenomatous polyposis 1. Last evaluated: 2019-12-31. Review status: criteria provided, single submitter. Criteria: Invitae Variant Classification Sherloc (09022015). Collection method: clinical testing. Allele origin: germline.
Comment: For these reasons, this variant has been classified as Pathogenic. Loss-of-function variants in APC are known to be pathogenic (PMID: 17963004, 20685668). This variant has not been reported in the literature in individuals with APC-related conditions. This variant is not present in population databases (ExAC no frequency). This sequence change creates a premature translational stop signal (p.Asn177Ilefs*8) in the APC gene. It is expected to result in an absent or disrupted protein product.

Literature cited by the submitters: PubMed 17963004 (cited by Labcorp Genetics (formerly Invitae), Labcorp); PubMed 20685668 (cited by Labcorp Genetics (formerly Invitae), Labcorp).